The following is an entry in ClinVar:

NM_001370259.2(MEN1):c.1362G>A (p.Lys454=)

Gene: MEN1 (menin 1; minus strand). Cytogenetic location: 11q13.1.
Variant type: single nucleotide variant.
Coding change: c.1362G>A on transcript NM_001370259.2 (MANE Select); coding-DNA position 1362, G replaced by A.
Protein change: p.Lys454=; no amino-acid change (lysine 454 retained).
Molecular consequence: synonymous variant. On other transcripts: non-coding transcript variant (4).
Genome position (GRCh38, 1-based): chr11:64,804,805, C>T on the plus strand (G>A on the coding strand, the complement: MEN1 is on the minus strand). VCF-style: chr11-64804805-C-T. GRCh37 (hg19) VCF-style: chr11-64572277-C-T.
Other names: c.1377G>A, p.Lys459= (NM_000244.4, NM_001407145.1, NM_130800.3 and 4 more transcripts); c.1488G>A, p.Lys496= (NM_001370251.2, NM_001407142.1, NM_001407143.1 and 1 more transcripts); c.1362G>A, p.Lys454= (NM_001370260.2, NM_001370261.2, NM_001407146.1 and 2 more transcripts); c.1257G>A, p.Lys419= (NM_001370262.2, NM_001370263.2, NM_001407148.1 and 1 more transcripts); c.1503G>A, p.Lys501= (NM_001407150.1); c.1383G>A, p.Lys461= (NM_001407151.1); c.1197G>A, p.Lys399= (NM_001407152.1).
Identifiers: ClinVar variation 2450219 (VCV002450219.3), dbSNP rs2136094170, ClinGen allele CA475163708.

ClinVar aggregate classification (germline): Likely benign. Review status: criteria provided, multiple submitters, no conflicts (2 of 4 stars). 2 submissions from 2 submitters: Likely benign (2). Last evaluated 2024-05-14.

Conditions:
Multiple endocrine neoplasia, type 1 (MEN1). Also called: MEN I; WERMER SYNDROME; MEA I; Endocrine adenomatosis multiple; MEN 1. Identifiers: Orphanet 652, MedGen C0025267, MeSH D018761, MONDO:0007540, OMIM 131100.
Hereditary cancer-predisposing syndrome. Also called: Hereditary neoplastic syndrome; Tumor predisposition; Neoplastic Syndromes, Hereditary; Hereditary Cancer Syndrome. Identifiers: Orphanet 140162, MedGen C0027672, MeSH D009386, MONDO:0015356.

Submissions (2):

All of Us Research Program, National Institutes of Health
Classification: Likely benign for Multiple endocrine neoplasia, type 1. Last evaluated: 2024-05-14. Review status: criteria provided, single submitter. Criteria: ACMG Guidelines, 2015. Collection method: clinical testing. Allele origin: germline. Inheritance: Autosomal dominant inheritance. Observed: 1 variant allele, 1 heterozygote.
Comment: This study involves interpretation of variants in research participants for the purpose of population health screening. Participant phenotype was not available at the time of variant classification. Additional details can be found in publication PMID: 35346344, PMCID: PMC8962531

Ambry Genetics
Classification: Likely benign for Hereditary cancer-predisposing syndrome. Last evaluated: 2022-12-09. Review status: criteria provided, single submitter. Criteria: Ambry Variant Classification Scheme 2023. Collection method: clinical testing. Allele origin: germline.